The following is an entry in ClinVar:

ClinVar aggregate classification (germline): Benign/Likely benign. Review status: criteria provided, multiple submitters, no conflicts (2 of 4 stars). 4 submissions from 4 submitters: Benign (1); Likely benign (3). Last evaluated 2025-10-18.

Conditions:
Breast-ovarian cancer, familial, susceptibility to, 4. Identifiers: Orphanet 145, MedGen C3280345, MONDO:0013669, OMIM 614291.
Hereditary cancer-predisposing syndrome. Also called: Hereditary neoplastic syndrome; Tumor predisposition; Hereditary Cancer Syndrome; Neoplastic Syndromes, Hereditary. Identifiers: Orphanet 140162, MedGen C0027672, MeSH D009386, MONDO:0015356.

Submissions (4):

Labcorp Genetics (formerly Invitae), Labcorp
Classification: Benign for Breast-ovarian cancer, familial, susceptibility to, 4. Last evaluated: 2025-10-18. Review status: criteria provided, single submitter. Criteria: Invitae Variant Classification Sherloc (09022015). Collection method: clinical testing. Allele origin: germline.

Myriad Genetics, Inc.
Classification: Likely benign for Breast-ovarian cancer, familial, susceptibility to, 4. Last evaluated: 2025-02-24. Review status: criteria provided, single submitter. Criteria: Myriad Autosomal Dominant, Autosomal Recessive and X-Linked Classification Criteria (2023). Collection method: clinical testing. Allele origin: unknown.
Comment: This variant is considered likely benign. This variant is intronic and is not expected to impact mRNA splicing.

Color Diagnostics, LLC DBA Color Health
Classification: Likely benign for Hereditary cancer-predisposing syndrome. Last evaluated: 2017-09-24. Review status: criteria provided, single submitter. Criteria: ACMG Guidelines, 2015. Collection method: clinical testing. Allele origin: germline.

GeneDx
Classification: Likely benign. Last evaluated: 2017-06-30. Review status: criteria provided, single submitter. Criteria: GeneDx Variant Classification (06012015). Collection method: clinical testing. Allele origin: germline. Affected: yes.
Comment: This variant is considered likely benign or benign based on one or more of the following criteria: it is a conservative change, it occurs at a poorly conserved position in the protein, it is predicted to be benign by multiple in silico algorithms, and/or has population frequency not consistent with disease.

NM_002878.4(RAD51D):c.668-13CCT[2]

Genes: RAD51D (RAD51 paralog D; minus strand), RAD51L3-RFFL (RAD51L3-RFFL readthrough; minus strand). Cytogenetic location: 17q12.
Variant type: Microsatellite.
Coding change: c.668-13CCT[2] on transcript NM_002878.4 (MANE Select); two copies in a row of the 3-base unit CCT starting at c.668-13; the reference has three copies in a row; one copy, 3 bases deleted.
Molecular consequence: intron variant.
Genome position (GRCh38, 1-based): chr17:35,103,329-35,103,331, AGG deleted on the plus strand (CCT on the coding strand, the reverse complement: RAD51D is on the minus strand); deleting any 3 consecutive bases within chr17:35,103,329-35,103,339 gives the same sequence; the position shown is the placement nearest the transcript's 3' end. VCF-style (leftmost placement, unchanged base first): chr17-35103328-CAGG-C. GRCh37 (hg19) VCF-style: chr17-33430347-CAGG-C.
Other names: c.332-13CCT[2] (NM_133629.3); c.728-13CCT[2] (NM_001142571.2); c.668-7_668-5delCCT (NM_002878.3).
Identifiers: ClinVar variation 492438 (VCV000492438.12), dbSNP rs1230625396, ClinGen allele CA658684028.